The following is an entry in ClinVar:

ClinVar aggregate classification (germline): Pathogenic/Likely pathogenic. Review status: criteria provided, multiple submitters, no conflicts (2 of 4 stars). 3 submissions from 3 submitters: Pathogenic (2); Likely pathogenic (1). Last evaluated 2024-07-10.

Conditions:
Deficiency of hydroxymethylglutaryl-CoA lyase (HMGCLD). Also called: HMGCL DEFICIENCY; HYDROXYMETHYLGLUTARIC ACIDURIA; Defect in leucine metabolism; 3-hydroxy-3-methylglutaric aciduria; HMG-CoA LYASE DEFICIENCY. Identifiers: Orphanet 20, MedGen C1533587, MONDO:0009520, OMIM 246450.

Submissions (3):

Dr.Nikuei Genetic Center
Classification: Pathogenic for Deficiency of hydroxymethylglutaryl-CoA lyase. Last evaluated: 2024-07-10. Review status: criteria provided, single submitter. Criteria: ACMG Guidelines, 2015. Collection method: clinical testing. Allele origin: germline. Affected: yes.

Labcorp Genetics (formerly Invitae), Labcorp
Classification: Pathogenic for Deficiency of hydroxymethylglutaryl-CoA lyase. Last evaluated: 2022-08-20. Review status: criteria provided, single submitter. Criteria: Invitae Variant Classification Sherloc (09022015). Collection method: clinical testing. Allele origin: germline.
Comment: For these reasons, this variant has been classified as Pathogenic. Algorithms developed to predict the effect of sequence changes on RNA splicing suggest that this variant may disrupt the consensus splice site. This variant has not been reported in the literature in individuals affected with HMGCL-related conditions. This variant is not present in population databases (gnomAD no frequency). This sequence change creates a premature translational stop signal (p.Val117Profs*4) in the HMGCL gene. It is expected to result in an absent or disrupted protein product. Loss-of-function variants in HMGCL are known to be pathogenic (PMID: 9817922, 17692550, 23465862).

Baylor Genetics
Classification: Likely pathogenic for Deficiency of hydroxymethylglutaryl-CoA lyase. Last evaluated: 2021-12-08. Review status: criteria provided, single submitter. Criteria: ACMG Guidelines, 2015. Collection method: clinical testing. Allele origin: unknown.

Literature cited by the submitters: PubMed 9817922 (cited by Labcorp Genetics (formerly Invitae), Labcorp); PubMed 17692550 (cited by Labcorp Genetics (formerly Invitae), Labcorp); PubMed 23465862 (cited by Labcorp Genetics (formerly Invitae), Labcorp).

NM_000191.3(HMGCL):c.349_361del

Gene: HMGCL (3-hydroxy-3-methylglutaryl-CoA lyase; minus strand). Cytogenetic location: 1p36.11.
Variant type: Deletion.
Coding change: c.349_361del on transcript NM_000191.3 (MANE Select); coding-DNA positions 349 to 361, 13 bases deleted (GTTGCTGCTGGAG).
Molecular consequence: splice acceptor variant. On other transcripts: intron variant (1).
Genome position (GRCh38, 1-based): chr1:23,814,326-23,814,338, CTCCAGCAGCAAC deleted on the plus strand (GTTGCTGCTGGAG on the coding strand, the reverse complement: HMGCL is on the minus strand); deleting any 13 consecutive bases within chr1:23,814,326-23,814,340 gives the same sequence; the c. name uses the placement nearest the transcript's 3' end. VCF-style (leftmost placement, unchanged base first): chr1-23814325-GCTCCAGCAGCAAC-G. GRCh37 (hg19) VCF-style: chr1-24140815-GCTCCAGCAGCAAC-G.
Other names: c.348+2337_348+2349del (NM_001166059.2).
Identifiers: ClinVar variation 2025158 (VCV002025158.6), dbSNP rs2521441733, ClinGen allele CA2580061565.
Genomic context (GRCh38, chr1:23,814,325, plus strand): 5'-CAATTGATGTTCTTCTTGGTGAAGAGCTCTGAGGCAGCTCCAAAGATGACTACTTCCTTG[GCTCCAGCAGCAAC>G]CTGCCAACATCCAGGTGAACTCCTTTCAGCACTTTTCTCTTTTTTTGTTTGAGATGGAGT-3'